The following is an entry in ClinVar:

NM_015072.5(TTLL5):c.3824-2A>G

Gene: TTLL5 (tubulin tyrosine ligase like 5; plus strand). Cytogenetic location: 14q24.3.
Variant type: single nucleotide variant.
Coding change: c.3824-2A>G on transcript NM_015072.5 (MANE Select); the canonical splice acceptor site of the intron before coding-DNA position 3824, A replaced by G.
Molecular consequence: splice acceptor variant.
Genome position (GRCh38, 1-based): chr14:75,954,422, A>G. VCF-style: chr14-75954422-A-G. GRCh37 (hg19) VCF-style: chr14-76420765-A-G.
Identifiers: ClinVar variation 1413509 (VCV001413509.6), dbSNP rs1595333668, ClinGen allele CA390466154.

ClinVar aggregate classification (germline): Uncertain significance (1 of 4 stars; one submission).

Allele frequency attached by ClinVar (database versions not stated): gnomAD exomes 0.00001; TOPMed 0.00001.
gnomAD v4.1: 6 of 1,614,014 alleles (0.00037%); highest among the groups gnomAD compares: Non-Finnish European, 0.00051%; no homozygotes.

Submission:

Labcorp Genetics (formerly Invitae), Labcorp
Classification: Uncertain significance. Last evaluated: 2024-02-23. Review status: criteria provided, single submitter. Criteria: Invitae Variant Classification Sherloc (09022015). Collection method: clinical testing. Allele origin: germline.
Comment: This sequence change affects an acceptor splice site in intron 31 of the TTLL5 gene. While this variant is not anticipated to result in nonsense mediated decay, it likely alters RNA splicing and results in a disrupted protein product. This variant is not present in population databases (gnomAD no frequency). This variant has not been reported in the literature in individuals affected with TTLL5-related conditions. ClinVar contains an entry for this variant (Variation ID: 1413509). Variants that disrupt the consensus splice site are a relatively common cause of aberrant splicing (PMID: 17576681, 9536098). Algorithms developed to predict the effect of sequence changes on RNA splicing suggest that this variant may disrupt the consensus splice site. In summary, the available evidence is currently insufficient to determine the role of this variant in disease. Therefore, it has been classified as a Variant of Uncertain Significance.

Literature cited by the submitters: PubMed 17576681; PubMed 9536098.